The following is an entry in ClinVar:

NM_006796.3(AFG3L2):c.940G>C (p.Glu314Gln)

Gene: AFG3L2 (AFG3 like matrix AAA peptidase subunit 2; minus strand). Cytogenetic location: 18p11.21.
Variant type: single nucleotide variant.
Coding change: c.940G>C on transcript NM_006796.3 (MANE Select); coding-DNA position 940, G replaced by C.
Protein change: p.Glu314Gln; replaces glutamic acid 314 with glutamine.
Molecular consequence: missense variant.
Genome position (GRCh38, 1-based): chr18:12,358,756, C>G on the plus strand (G>C on the coding strand, the complement: AFG3L2 is on the minus strand). VCF-style: chr18-12358756-C-G. GRCh37 (hg19) VCF-style: chr18-12358755-C-G.
Other names: short protein forms E314Q.
Identifiers: ClinVar variation 4088011 (VCV004088011.1).

ClinVar aggregate classification (germline): Uncertain significance (1 of 4 stars; one submission).

Submission:

GeneDx
Classification: Uncertain significance. Last evaluated: 2025-03-26. Review status: criteria provided, single submitter. Criteria: GeneDx Variant Classification Process June 2021. Collection method: clinical testing. Allele origin: germline. Affected: yes.
Comment: Not observed at significant frequency in large population cohorts (gnomAD); In silico analysis supports that this missense variant has a deleterious effect on protein structure/function; Has not been previously published as pathogenic or benign to our knowledge